The following is an entry in ClinVar:

ClinVar aggregate classification (germline): Uncertain significance (1 of 4 stars; one submission).

Conditions:
Atypical hemolytic-uremic syndrome. Identifiers: Orphanet 2134, MedGen C2931788, MONDO:0016244.

Submission:

Genomenon, Inc
Classification: Uncertain significance for Atypical hemolytic-uremic syndrome. Last evaluated: 2025-09-26. Review status: criteria provided, single submitter. Criteria: Genomenon Sequence Variant Interpretation Standards - Updated. Collection method: curation. Allele origin: germline. Affected: yes.
Comment: CFI p.Gly162Ala (c.485G>C) is a missense variant that changes the amino acid at residue 162 from Glycine to Alanine. This variant has been observed in at least one proband affected with atypical hemolytic-uremic syndrome (PMID:25443527). It is absent or not present at a significant frequency in gnomAD. The presence of pathogenic/likely pathogenic missense variant(s) at the same amino acid position indicates that this residue is likely important for protein function. In conclusion, we classify CFI p.Gly162Ala (c.485G>C) as a variant of unknown significance.

Literature cited by the submitters: PubMed 25443527.

NM_000204.5(CFI):c.485G>C (p.Gly162Ala)

Gene: CFI (complement factor I; minus strand). Cytogenetic location: 4q25.
Variant type: single nucleotide variant.
Coding change: c.485G>C on transcript NM_000204.5 (MANE Select); coding-DNA position 485, G replaced by C.
Protein change: p.Gly162Ala; replaces glycine 162 with alanine.
Molecular consequence: missense variant. On other transcripts: non-coding transcript variant (3), 5 prime UTR variant (1).
Genome position (GRCh38, 1-based): chr4:109,761,690, C>G on the plus strand (G>C on the coding strand, the complement: CFI is on the minus strand). VCF-style: chr4-109761690-C-G. GRCh37 (hg19) VCF-style: chr4-110682846-C-G.
Other names: c.485G>C, p.Gly162Ala (NM_001440986.1, NM_001440988.1, NM_001440989.1 and 10 more transcripts); c.-125G>C (NM_001375284.1); short protein forms G162A.
Identifiers: ClinVar variation 4280475 (VCV004280475.1).
Genomic context (GRCh38, chr4:109,761,690, plus strand): 5'-AGACATTCAGTGGAATTTATAGAGAGATCAGACAACTTAAACCTTCTTTGAGTATCAGCA[C>G]CTCTGCAAATAGAATAAAGGAAACATTATGGTAGAATAATTAGTACTTTGCATTTATAAC-3'
Protein context (NP_000195.3, residues 152-172): VACLDLGFQQ[Gly162Ala]ADTQRRFKLS